The following is an entry in ClinVar:

NM_000322.5(PRPH2):c.515G>C (p.Arg172Pro)

Gene: PRPH2 (peripherin 2; minus strand). Cytogenetic location: 6p21.1.
Variant type: single nucleotide variant.
Coding change: c.515G>C on transcript NM_000322.5 (MANE Select); coding-DNA position 515, G replaced by C.
Protein change: p.Arg172Pro; replaces arginine 172 with proline.
Molecular consequence: missense variant.
Genome position (GRCh38, 1-based): chr6:42,721,820, C>G on the plus strand (G>C on the coding strand, the complement: PRPH2 is on the minus strand). VCF-style: chr6-42721820-C-G. GRCh37 (hg19) VCF-style: chr6-42689558-C-G.
Other names: short protein forms R172P.
Identifiers: ClinVar variation 987409 (VCV000987409.3), dbSNP rs61755793, ClinGen allele CA364137388.

ClinVar aggregate classification (germline): Likely pathogenic. Review status: criteria provided, single submitter (1 of 4 stars). 2 submissions from 2 submitters: Likely pathogenic (1). 1 of the submissions does not count toward it. Last evaluated 2020-10-23.

Submissions (2):

Institute of Medical Genetics and Applied Genomics, University Hospital Tübingen
Classification: Likely pathogenic. Last evaluated: 2020-10-23. Review status: criteria provided, single submitter. Criteria: ACMG Guidelines, 2015. Collection method: clinical testing. Allele origin: germline. Inheritance: Autosomal unknown. Affected: yes.

Leiden Open Variation Database
Classification: Likely pathogenic. Last evaluated: 2020-05-28. Review status: no assertion criteria provided. Collection method: curation. Allele origin: germline. Affected: yes. Not counted in ClinVar's aggregate classification.
Comment: Curator: Global Variome, with Curator vacancy. Submitter to LOVD: IMGAG.